The following is an entry in ClinVar:

ClinVar aggregate classification (germline): Uncertain significance (1 of 4 stars; one submission).

Submission:

Labcorp Genetics (formerly Invitae), Labcorp
Classification: Uncertain significance. Last evaluated: 2025-12-31. Review status: criteria provided, single submitter. Criteria: Invitae Variant Classification Sherloc (09022015). Collection method: clinical testing. Allele origin: germline.
Comment: This sequence change replaces proline, which is neutral and non-polar, with serine, which is neutral and polar, at codon 226 of the IL12RB2 protein (p.Pro226Ser). This variant is not present in population databases (gnomAD no frequency). This variant has not been reported in the literature in individuals affected with IL12RB2-related conditions. An algorithm developed to predict the effect of missense changes on protein structure and function (PolyPhen-2) suggests that this variant is likely to be disruptive. In summary, the available evidence is currently insufficient to determine the role of this variant in disease. Therefore, it has been classified as a Variant of Uncertain Significance.

NM_001374259.2(IL12RB2):c.676C>T (p.Pro226Ser)

Gene: IL12RB2 (interleukin 12 receptor subunit beta 2; plus strand). Cytogenetic location: 1p31.3.
Variant type: single nucleotide variant.
Coding change: c.676C>T on transcript NM_001374259.2 (MANE Select); coding-DNA position 676, C replaced by T.
Protein change: p.Pro226Ser; replaces proline 226 with serine.
Molecular consequence: missense variant. On other transcripts: non-coding transcript variant (2).
Genome position (GRCh38, 1-based): chr1:67,329,598, C>T. VCF-style: chr1-67329598-C-T. GRCh37 (hg19) VCF-style: chr1-67795281-C-T.
Other names: c.676C>T, p.Pro226Ser (NM_001258214.1, NM_001258215.1, NM_001258216.1 and 2 more transcripts); short protein forms P226S.
Identifiers: ClinVar variation 4765196 (VCV004765196.1).